The following is an entry in ClinVar:

NM_024675.4(PALB2):c.3544_3545insA (p.Val1182fs)

Gene: PALB2 (partner and localizer of BRCA2; minus strand). Cytogenetic location: 16p12.2.
Variant type: Insertion.
Coding change: c.3544_3545insA on transcript NM_024675.4 (MANE Select); coding-DNA positions 3544 to 3545, A inserted.
Protein change: p.Val1182fs; shifts the reading frame from valine 1182.
Molecular consequence: frameshift variant. On other transcripts: 3 prime UTR variant (5).
Genome position: GRCh38 VCF-style: chr16-23603475-A-AT. GRCh37 (hg19) VCF-style: chr16-23614796-A-AT.
Other names: c.3484_3485insA, p.Val1162fs (NM_001407296.1); c.3472_3473insA, p.Val1158fs (NM_001407297.1); c.3382_3383insA, p.Val1128fs (NM_001407298.1); c.3307_3308insA, p.Val1103fs (NM_001407299.1); c.3265_3266insA, p.Val1089fs (NM_001407300.1); c.*179_*180insA (NM_001407301.1, NM_001407302.1, NM_001407310.1 and 2 more transcripts); c.2659_2660insA, p.Val887fs (NM_001407304.1, NM_001407305.1, NM_001407306.1); c.2497_2498insA, p.Val833fs (NM_001407307.1); and 3 more; short protein forms V1103fs, V1089fs, V1182fs, V586fs, V808fs, V1158fs, V833fs, V887fs.
Identifiers: ClinVar variation 2843459 (VCV002843459.3), dbSNP rs2506195102, ClinGen allele CA2739266661.
Genomic context (GRCh38, chr16:23,603,475, plus strand): 5'-AGGCCCAATATATCCAGAAAATTGTGTTTTCACTTTACCCTAACTTATGAATAGTGGTAT[A>AT]CAAATATATTTCCATCTTTTTGTCCAGCCAGCAAATGAGAGTCTGTACCCGACCATTTCA-3'

ClinVar aggregate classification (germline): Pathogenic (1 of 4 stars; one submission).

Conditions:
Familial cancer of breast. Also called: hereditary breast carcinoma; BREAST CANCER, FAMILIAL; Hereditary breast cancer. Identifiers: Orphanet 227535, MedGen C0346153, MONDO:0016419, OMIM 114480. Disease mechanism: loss of function.

Submission:

Labcorp Genetics (formerly Invitae), Labcorp
Classification: Pathogenic for Familial cancer of breast. Last evaluated: 2023-10-12. Review status: criteria provided, single submitter. Criteria: Invitae Variant Classification Sherloc (09022015). Collection method: clinical testing. Allele origin: germline.
Comment: This sequence change results in a frameshift in the PALB2 gene (p.Val1182Aspfs*8). While this is not anticipated to result in nonsense mediated decay, it is expected to disrupt the last 5 amino acid(s) of the PALB2 protein and extend the protein by 2 additional amino acid residues. This variant is not present in population databases (gnomAD no frequency). This variant has not been reported in the literature in individuals affected with PALB2-related conditions. This variant disrupts a region of the PALB2 protein in which other variant(s) (p.Tyr1183*) have been determined to be pathogenic (PMID: 17200671, 19609323, 21365267, 26296701, 26315354). This suggests that this is a clinically significant region of the protein, and that variants that disrupt it are likely to be disease-causing. For these reasons, this variant has been classified as Pathogenic.

Literature cited by the submitters: PubMed 17200671; PubMed 19609323; PubMed 21365267; PubMed 26296701; PubMed 26315354.